The following is an entry in ClinVar:

ClinVar aggregate classification (germline): Pathogenic. Review status: criteria provided, multiple submitters, no conflicts (2 of 4 stars). 2 submissions from 2 submitters: Pathogenic (2). Last evaluated 2024-04-06.

Conditions:
Cone-rod dystrophy 13 (CORD13). Identifiers: Orphanet 1872, MedGen C2750720, MONDO:0011987, OMIM 608194.
Leber congenital amaurosis 6 (LCA6). Identifiers: Orphanet 65, MedGen C1854260, MONDO:0013446, OMIM 613826.

Allele frequency attached by ClinVar (database versions not stated): gnomAD exomes 0.00001.

Submissions (2):

Fulgent Genetics
Classification: Pathogenic for Cone-rod dystrophy 13; Leber congenital amaurosis 6. Last evaluated: 2024-04-06. Review status: criteria provided, single submitter. Criteria: ACMG Guidelines, 2015. Collection method: clinical testing. Allele origin: germline.

Labcorp Genetics (formerly Invitae), Labcorp
Classification: Pathogenic for Leber congenital amaurosis 6; Cone-rod dystrophy 13. Last evaluated: 2022-06-13. Review status: criteria provided, single submitter. Criteria: Invitae Variant Classification Sherloc (09022015). Collection method: clinical testing. Allele origin: germline.
Comment: For these reasons, this variant has been classified as Pathogenic. ClinVar contains an entry for this variant (Variation ID: 1069706). This variant is also known as p.P237Pfs*40. This premature translational stop signal has been observed in individual(s) with clinical features of retinitis pigmentosa (PMID: 30072743). This variant is not present in population databases (gnomAD no frequency). This sequence change creates a premature translational stop signal (p.Lys239Serfs*36) in the RPGRIP1 gene. It is expected to result in an absent or disrupted protein product. Loss-of-function variants in RPGRIP1 are known to be pathogenic (PMID: 11528500, 23105016).

Literature cited by the submitters: PubMed 30072743 (cited by Labcorp Genetics (formerly Invitae), Labcorp); PubMed 11528500 (cited by Labcorp Genetics (formerly Invitae), Labcorp); PubMed 23105016 (cited by Labcorp Genetics (formerly Invitae), Labcorp).

NM_020366.4(RPGRIP1):c.711del (p.Lys239fs)

Gene: RPGRIP1 (RPGR interacting protein 1; plus strand). Cytogenetic location: 14q11.2.
Variant type: Deletion.
Coding change: c.711del on transcript NM_020366.4 (MANE Select); coding-DNA position 711, one base deleted (A; older notation c.711delA).
Protein change: p.Lys239fs; shifts the reading frame from lysine 239.
Molecular consequence: frameshift variant.
Genome position (GRCh38, 1-based): chr14:21,303,454, A deleted. VCF-style (leftmost placement, unchanged base first): chr14-21303453-CA-C. GRCh37 (hg19) VCF-style: chr14-21771612-CA-C.
Other names: short protein forms K239fs.
Identifiers: ClinVar variation 1069706 (VCV001069706.10), dbSNP rs2139160608, ClinGen allele CA2499222552.